The following is an entry in ClinVar:

ClinVar aggregate classification (germline): Uncertain significance (1 of 4 stars; one submission).

Conditions:
Early-infantile DEE. Also called: Ohtahara syndrome; Early infantile epileptic encephalopathy; Early infantile epileptic encephalopathy with suppression bursts. Identifiers: Orphanet 1934, MedGen C0393706, MONDO:0800491.

Submission:

Labcorp Genetics (formerly Invitae), Labcorp
Classification: Uncertain significance for Early-infantile DEE. Last evaluated: 2021-02-25. Review status: criteria provided, single submitter. Criteria: Invitae Variant Classification Sherloc (09022015). Collection method: clinical testing. Allele origin: germline.
Comment: In summary, the available evidence is currently insufficient to determine the role of this variant in disease. Therefore, it has been classified as a Variant of Uncertain Significance. Algorithms developed to predict the effect of missense changes on protein structure and function output the following: SIFT: "Tolerated"; PolyPhen-2: "Benign"; Align-GVGD: "Class C0". The valine amino acid residue is found in multiple mammalian species, suggesting that this missense change does not adversely affect protein function. These predictions have not been confirmed by published functional studies and their clinical significance is uncertain. This variant has not been reported in the literature in individuals with SCN8A-related conditions. This variant is not present in population databases (ExAC no frequency). This sequence change replaces isoleucine with valine at codon 1864 of the SCN8A protein (p.Ile1864Val). The isoleucine residue is highly conserved and there is a small physicochemical difference between isoleucine and valine.

NM_001330260.2(SCN8A):c.5590A>G (p.Ile1864Val)

Gene: SCN8A (sodium voltage-gated channel alpha subunit 8; plus strand). Cytogenetic location: 12q13.13.
Variant type: single nucleotide variant.
Coding change: c.5590A>G on transcript NM_001330260.2 (MANE Select); coding-DNA position 5590, A replaced by G.
Protein change: p.Ile1864Val; replaces isoleucine 1864 with valine.
Molecular consequence: missense variant.
Genome position (GRCh38, 1-based): chr12:51,807,076, A>G. VCF-style: chr12-51807076-A-G. GRCh37 (hg19) VCF-style: chr12-52200860-A-G.
Other names: c.5467A>G, p.Ile1823Val (NM_001177984.3, NM_001369788.1); c.5590A>G, p.Ile1864Val (NM_014191.4); short protein forms I1823V, I1864V.
Identifiers: ClinVar variation 1036977 (VCV001036977.9), dbSNP rs1938723095, ClinGen allele CA384887832.